The following is an entry in ClinVar:

NM_000379.4(XDH):c.1041C>A (p.Ser347=)

Gene: XDH (xanthine dehydrogenase; minus strand). Cytogenetic location: 2p23.1.
Variant type: single nucleotide variant.
Coding change: c.1041C>A on transcript NM_000379.4 (MANE Select); coding-DNA position 1041, C replaced by A.
Protein change: p.Ser347=; no amino-acid change (serine 347 retained).
Molecular consequence: synonymous variant.
Genome position (GRCh38, 1-based): chr2:31,381,724, G>T on the plus strand (C>A on the coding strand, the complement: XDH is on the minus strand). VCF-style: chr2-31381724-G-T. GRCh37 (hg19) VCF-style: chr2-31604590-G-T.
Identifiers: ClinVar variation 2691660 (VCV002691660.1), dbSNP rs375950132, ClinGen allele CA425452335.
Genomic context (GRCh38, chr2:31,381,724, plus strand): 5'-GGCCATGAACACGGGGTTGAGGTCGGAGATGGGGCTGGCAGTGATGATGTTCCCTCCAAC[G>T]GACTAAAACAAGCAGAGAGCATGCAGTGAGAGCCCACCCCAGGAAACCCCTGCTCACGTA-3'
Protein context (NP_000370.2, residues 337-357): FAGKQVKSVA[Ser347=]VGGNIITASP

ClinVar aggregate classification (germline): Uncertain significance (1 of 4 stars; one submission).

gnomAD v4.1: 1 of 1,612,780 alleles (0.000062%); no homozygotes.

Submission:

Women's Health and Genetics/Laboratory Corporation of America, LabCorp
Classification: Uncertain significance. Last evaluated: 2023-12-13. Review status: criteria provided, single submitter. Criteria: LabCorp Variant Classification Summary - May 2015. Collection method: clinical testing. Allele origin: germline.
Comment: Variant summary: XDH c.1041C>A (p.Ser347Ser) alters a non-conserved nucleotide located close to a canonical splice site and therefore could affect mRNA splicing, leading to a significantly altered protein sequence. Consensus agreement among computation tools predict no significant impact on normal splicing. However, these predictions have yet to be confirmed by functional studies. The variant was absent in 248398 control chromosomes (gnomAD). The available data on variant occurrences in the general population are insufficient to allow any conclusion about variant significance. To our knowledge, no occurrence of c.1041C>A in individuals affected with Hereditary Xanthinuria Type 1 and no experimental evidence demonstrating its impact on protein function have been reported. No submitters have cited clinical-significance assessments for this variant to ClinVar after 2014. Based on the evidence outlined above, the variant was classified as uncertain significance.